The following is an entry in ClinVar:

NM_017780.4(CHD7):c.7608+3_7608+4inv

Gene: CHD7 (chromodomain helicase DNA binding protein 7; plus strand). Cytogenetic location: 8q12.2.
Variant type: Inversion.
Coding change: c.7608+3_7608+4inv on transcript NM_017780.4 (MANE Select).
Molecular consequence: intron variant.
Genome position: GRCh38 VCF-style: chr8-60856891-AA-TT. GRCh37 (hg19) VCF-style: chr8-61769450-AA-TT.
Other names: c.1717-5338_1717-5337inv (NM_001316690.1).
Identifiers: ClinVar variation 4723217 (VCV004723217.1).
Genomic context (GRCh38, chr8:60,856,891, plus strand): 5'-AAATGTGGAGGGACTTGATCTGCTTTTCATGAGCCACAAACGGACGTCATTGAGTGCAGT[AA>TT]GTTGGGGAGCTTGCCTGCATGGCGATTGCACGTGTTGACAGCTGAGGGTCCTGTGATGCT-3'

ClinVar aggregate classification (germline): Uncertain significance (1 of 4 stars; one submission).

Conditions:
CHARGE syndrome (CHARGE). Also called: Hittner Hirsch Kreh syndrome; CHARGE ASSOCIATION--COLOBOMA, HEART ANOMALY, CHOANAL ATRESIA, RETARDATION, GENITAL AND EAR ANOMALIES; Coloboma, heart anomaly, choanal atresia, retardation, genital and ear anomalies; CHARGE association; Hall-Hittner syndrome. Identifiers: Orphanet 138, MedGen C0265354, MONDO:0008965.

Submission:

Labcorp Genetics (formerly Invitae), Labcorp
Classification: Uncertain significance for CHARGE syndrome. Last evaluated: 2025-07-19. Review status: criteria provided, single submitter. Criteria: Invitae Variant Classification Sherloc (09022015). Collection method: clinical testing. Allele origin: germline.
Comment: This sequence change falls in intron 34 of the CHD7 gene. It does not directly change the encoded amino acid sequence of the CHD7 protein. It affects a nucleotide within the consensus splice site. Information on the frequency of this variant in the gnomAD database is not available, as this variant may be reported differently in the database. This variant has not been reported in the literature in individuals affected with CHD7-related conditions. Variants that disrupt the consensus splice site are a relatively common cause of aberrant splicing (PMID: 17576681, 9536098). In summary, the available evidence is currently insufficient to determine the role of this variant in disease. Therefore, it has been classified as a Variant of Uncertain Significance.

Literature cited by the submitters: PubMed 17576681; PubMed 9536098.